The following is an entry in ClinVar:

NM_001128228.3(TPRN):c.976A>C (p.Asn326His)

Gene: TPRN (taperin; minus strand). Cytogenetic location: 9q34.3.
Variant type: single nucleotide variant.
Coding change: c.976A>C on transcript NM_001128228.3 (MANE Select); coding-DNA position 976, A replaced by C.
Protein change: p.Asn326His; replaces asparagine 326 with histidine.
Molecular consequence: missense variant.
Genome position (GRCh38, 1-based): chr9:137,199,736, T>G on the plus strand (A>C on the coding strand, the complement: TPRN is on the minus strand). VCF-style: chr9-137199736-T-G. GRCh37 (hg19) VCF-style: chr9-140094188-T-G.
Other names: short protein forms N326H.
Identifiers: ClinVar variation 3375549 (VCV003375549.1).

ClinVar aggregate classification (germline): Uncertain significance (1 of 4 stars; one submission).

Submission:

GeneDx
Classification: Uncertain significance. Last evaluated: 2024-05-09. Review status: criteria provided, single submitter. Criteria: GeneDx Variant Classification Process June 2021. Collection method: clinical testing. Allele origin: germline. Affected: yes.
Comment: Not observed at significant frequency in large population cohorts (gnomAD); In silico analysis indicates that this missense variant does not alter protein structure/function; Has not been previously published as pathogenic or benign to our knowledge